The following is an entry in ClinVar:

ClinVar aggregate classification (germline): Uncertain significance (1 of 4 stars; one submission).

Conditions:
Inborn genetic diseases. Identifiers: MedGen C0950123, MeSH D030342.

Allele frequency attached by ClinVar (database versions not stated): gnomAD exomes below 0.00001.
gnomAD v4.1: 1 of 1,613,880 alleles (0.000062%); highest among the groups gnomAD compares: Non-Finnish European, 0.000085%; no homozygotes.

Submission:

Ambry Genetics
Classification: Uncertain significance for Inborn genetic diseases. Last evaluated: 2023-03-20. Review status: criteria provided, single submitter. Criteria: Ambry Variant Classification Scheme 2023. Collection method: clinical testing. Allele origin: germline.
Comment: The p.N556K variant (also known as c.1668T>A), located in coding exon 15 of the LRRK2 gene, results from a T to A substitution at nucleotide position 1668. The asparagine at codon 556 is replaced by lysine, an amino acid with similar properties. This amino acid position is conserved. In addition, this alteration is predicted to be tolerated by in silico analysis. Since supporting evidence is limited at this time, the clinical significance of this alteration remains unclear.

NM_198578.4(LRRK2):c.1668T>A (p.Asn556Lys)

Gene: LRRK2 (leucine rich repeat kinase 2; plus strand). Cytogenetic location: 12q12.
Variant type: single nucleotide variant.
Coding change: c.1668T>A on transcript NM_198578.4 (MANE Select); coding-DNA position 1668, T replaced by A.
Protein change: p.Asn556Lys; replaces asparagine 556 with lysine.
Molecular consequence: missense variant.
Genome position (GRCh38, 1-based): chr12:40,274,594, T>A. VCF-style: chr12-40274594-T-A. GRCh37 (hg19) VCF-style: chr12-40668396-T-A.
Other names: short protein forms N556K.
Identifiers: ClinVar variation 2562427 (VCV002562427.2), dbSNP rs2499622476, ClinGen allele CA384402640.